The following is an entry in ClinVar:

ClinVar aggregate classification (germline): Uncertain significance (1 of 4 stars; one submission).

Allele frequency attached by ClinVar (database versions not stated): gnomAD 0.00001; TOPMed 0.00001.
gnomAD v4.1: 5 of 1,589,538 alleles (0.00031%); highest among the groups gnomAD compares: Non-Finnish European, 0.00034%; no homozygotes.

Submission:

Labcorp Genetics (formerly Invitae), Labcorp
Classification: Uncertain significance. Last evaluated: 2022-03-01. Review status: criteria provided, single submitter. Criteria: Invitae Variant Classification Sherloc (09022015). Collection method: clinical testing. Allele origin: germline.
Comment: The COL18A1 gene has multiple clinically relevant transcripts. This variant occurs in alternate transcript NM_030582.4, and corresponds to NM_130445.3:c.107-12078C>A in the primary transcript. This sequence change replaces proline, which is neutral and non-polar, with threonine, which is neutral and polar, at codon 212 of the COL18A1 protein (p.Pro212Thr). This variant is present in population databases (no rsID available, gnomAD 0.001%). This variant has not been reported in the literature in individuals affected with COL18A1-related conditions. Experimental studies and prediction algorithms are not available or were not evaluated, and the functional significance of this variant is currently unknown. In summary, the available evidence is currently insufficient to determine the role of this variant in disease. Therefore, it has been classified as a Variant of Uncertain Significance.

NM_001379500.1(COL18A1):c.107-12078C>A

Gene: COL18A1 (collagen type XVIII alpha 1 chain; plus strand). Cytogenetic location: 21q22.3.
Variant type: single nucleotide variant.
Coding change: c.107-12078C>A on transcript NM_001379500.1 (MANE Select); 12078 bases into the intron before coding-DNA position 107, C replaced by A.
Molecular consequence: intron variant. On other transcripts: missense variant (2).
Genome position (GRCh38, 1-based): chr21:45,456,164, C>A. VCF-style: chr21-45456164-C-A. GRCh37 (hg19) VCF-style: chr21-46876078-C-A.
Other names: c.634C>A, p.Pro212Thr (NM_030582.4, NM_130444.3); short protein forms P212T.
Identifiers: ClinVar variation 2105449 (VCV002105449.1), dbSNP rs1231895442, ClinGen allele CA410506625.
Genomic context (GRCh38, chr21:45,456,164, plus strand): 5'-ACCCCATCGCCTCCCTCCCTGGGCAGGCCCTGGGCACCACTCACGGGGCCCTCAGTGCCA[C>A]CACCATCTTCAGGTAGAGCTTCTCTCTCCTCCTTGCTGGGCGGGGCCCCTCCCTGGGGAA-3'